The following is an entry in ClinVar:

ClinVar aggregate classification (germline): Likely benign (1 of 4 stars; one submission).

Allele frequency attached by ClinVar (database versions not stated): gnomAD 0.00024; gnomAD exomes 0.00040; ExAC 0.00148.
gnomAD v4.1: 565 of 1,468,248 alleles (0.038%); highest among the groups gnomAD compares: Middle Eastern, 0.078%; 18 homozygotes.

Submission:

CeGaT Center for Human Genetics Tuebingen
Classification: Likely benign. Last evaluated: 2023-01-01. Review status: criteria provided, single submitter. Criteria: CeGaT Center For Human Genetics Tuebingen Variant Classification Criteria Version 2. Collection method: clinical testing. Allele origin: germline. Affected: yes. Observed: 1 variant allele.
Comment: USP17L1: BP4, BP7

NM_001256873.1(USP17L1):c.1182C>T (p.Leu394=)

Genes: FAM66B (family with sequence similarity 66 member B; minus strand), USP17L1 (ubiquitin specific peptidase 17 like family member 1). Cytogenetic location: 8p23.1.
Variant type: single nucleotide variant.
Coding change: c.1182C>T on transcript NM_001256873.1 (MANE Select); coding-DNA position 1182, C replaced by T.
Protein change: p.Leu394=; no amino-acid change (leucine 394 retained).
Molecular consequence: synonymous variant.
Genome position (GRCh38, 1-based): chr8:7,333,568, C>T. VCF-style: chr8-7333568-C-T. GRCh37 (hg19) VCF-style: chr8-7191090-C-T.
Identifiers: ClinVar variation 2658357 (VCV002658357.24), dbSNP rs780059672, ClinGen allele CA4614719.
Genomic context (GRCh38, chr8:7,333,568, plus strand): 5'-GAAGAGTGAATGGGAAAGACACAGTGAGAGTGTGTCAAGAGGCAGGGAACCAAGAGCCCT[C>T]GGCGCTGAAGACACAGACAGGCGAGCAAAGCAAGGAGAGCTCAAGAGAGACCACCCCTGC-3'
Protein context (NP_001243802.1, residues 384-404): SVSRGREPRA[Leu394=]GAEDTDRRAK